The following is an entry in ClinVar:

ClinVar aggregate classification (germline): Benign/Likely benign. Review status: criteria provided, multiple submitters, no conflicts (2 of 4 stars). 10 submissions from 10 submitters: Benign (1); Likely benign (8). 1 of the submissions does not count toward it. Last evaluated 2026-01-12.

Conditions:
SDHA-related disorder. Also called: SDHA-related condition; SDHA-related disorders.
Mitochondrial complex II deficiency, nuclear type 1. Also called: SUCCINATE CoQ REDUCTASE DEFICIENCY. Identifiers: Orphanet 3208, MedGen C5700310, MONDO:0100294, OMIM 252011.
Pheochromocytoma/paraganglioma syndrome 5. Also called: Paragangliomas 5; SDHA-Related Hereditary Paraganglioma-Pheochromocytoma Syndrome. Identifiers: Orphanet 29072, MedGen C3279992, MONDO:0013602, OMIM 614165.
Hereditary cancer-predisposing syndrome. Also called: Tumor predisposition; Hereditary neoplastic syndrome; Hereditary Cancer Syndrome; Neoplastic Syndromes, Hereditary. Identifiers: Orphanet 140162, MedGen C0027672, MeSH D009386, MONDO:0015356.

Allele frequency attached by ClinVar (database versions not stated): gnomAD 0.00002 and 0.00003; TOPMed 0.00002; gnomAD exomes 0.00003; ExAC 0.00004; 1000 Genomes Project 30x 0.00016; 1000 Genomes Project 0.00020.
gnomAD v4.1: 51 of 1,613,936 alleles (0.0032%); highest among the groups gnomAD compares: Middle Eastern, 0.066%; no homozygotes.

Submissions (10):

Labcorp Genetics (formerly Invitae), Labcorp
Classification: Likely benign for Pheochromocytoma/paraganglioma syndrome 5; Mitochondrial complex II deficiency, nuclear type 1. Last evaluated: 2026-01-12. Review status: criteria provided, single submitter. Criteria: Invitae Variant Classification Sherloc (09022015). Collection method: clinical testing. Allele origin: germline.

Myriad Genetics, Inc.
Classification: Benign for Pheochromocytoma/paraganglioma syndrome 5. Last evaluated: 2025-03-11. Review status: criteria provided, single submitter. Criteria: Myriad Autosomal Dominant, Autosomal Recessive and X-Linked Classification Criteria (2023). Collection method: clinical testing. Allele origin: unknown.
Comment: This variant is considered benign. This variant is a silent/synonymous amino acid change and it is not expected to impact splicing.

CeGaT Center for Human Genetics Tuebingen
Classification: Likely benign. Last evaluated: 2024-11-01. Review status: criteria provided, single submitter. Criteria: CeGaT Center For Human Genetics Tuebingen Variant Classification Criteria Version 2. Collection method: clinical testing. Allele origin: germline. Affected: yes. Observed: 2 variant alleles.
Comment: SDHA: BP4, BP7

Blueprint Genetics
Classification: Likely benign. Last evaluated: 2024-06-26. Review status: criteria provided, single submitter. Criteria: ACMG Guidelines, 2015. Collection method: clinical testing. Allele origin: germline.

KCCC/NGS Laboratory, Kuwait Cancer Control Center
Classification: Likely benign for Pheochromocytoma/paraganglioma syndrome 5. Last evaluated: 2023-07-07. Review status: criteria provided, single submitter. Criteria: ACMG Guidelines, 2015. Collection method: clinical testing. Allele origin: germline. Affected: yes.

Sema4
Classification: Likely benign for Hereditary cancer-predisposing syndrome. Last evaluated: 2021-10-08. Review status: criteria provided, single submitter. Criteria: Sema4 Curation Guidelines. Collection method: curation. Allele origin: germline.

GeneDx
Classification: Likely benign. Last evaluated: 2019-04-18. Review status: criteria provided, single submitter. Criteria: GeneDx Variant Classification Process June 2021. Collection method: clinical testing. Allele origin: germline. Affected: yes.

Ambry Genetics
Classification: Likely benign for Hereditary cancer-predisposing syndrome. Last evaluated: 2015-01-12. Review status: criteria provided, single submitter. Criteria: Ambry Variant Classification Scheme 2023. Collection method: clinical testing. Allele origin: germline.

Breakthrough Genomics
Classification: Likely benign. Review status: criteria provided, single submitter. Criteria: ACMG Guidelines, 2015. Collection method: not provided. Allele origin: germline. Inheritance: Autosomal recessive inheritance. Affected: yes.

PreventionGenetics, part of Exact Sciences
Classification: Likely benign for SDHA-related condition. Last evaluated: 2019-11-19. Review status: no assertion criteria provided. Collection method: clinical testing. Allele origin: germline. Not counted in ClinVar's aggregate classification.
Comment: This variant is classified as likely benign based on ACMG/AMP sequence variant interpretation guidelines (Richards et al. 2015 PMID: 25741868, with internal and published modifications).

NM_004168.4(SDHA):c.1737C>T (p.Ile579=)

Gene: SDHA (succinate dehydrogenase complex flavoprotein subunit A; plus strand). Cytogenetic location: 5p15.33.
Variant type: single nucleotide variant.
Coding change: c.1737C>T on transcript NM_004168.4 (MANE Select); coding-DNA position 1737, C replaced by T.
Protein change: p.Ile579=; no amino-acid change (isoleucine 579 retained).
Molecular consequence: synonymous variant. On other transcripts: intron variant (1).
Genome position (GRCh38, 1-based): chr5:251,411, C>T. VCF-style: chr5-251411-C-T. GRCh37 (hg19) VCF-style: chr5-251526-C-T.
Other names: c.1593C>T, p.Ile531= (NM_001294332.2); c.1552-2982C>T (NM_001330758.2).
Identifiers: ClinVar variation 417240 (VCV000417240.60), dbSNP rs201454617, ClinGen allele CA3173343.